The following is an entry in ClinVar:

ClinVar aggregate classification (germline): Likely benign (1 of 4 stars; one submission).

gnomAD v4.1: 78 of 1,604,832 alleles (0.0049%); highest among the groups gnomAD compares: African/African-American, 0.035%; 1 homozygote.

Submission:

CeGaT Center for Human Genetics Tuebingen
Classification: Likely benign. Last evaluated: 2025-12-01. Review status: criteria provided, single submitter. Criteria: CeGaT Center For Human Genetics Tuebingen Variant Classification Criteria Version 2. Collection method: clinical testing. Allele origin: germline. Affected: yes. Observed: 1 variant allele.
Comment: ZFPM1: BP4, BP7

NM_153813.3(ZFPM1):c.255C>T (p.Pro85=)

Gene: ZFPM1 (zinc finger protein, FOG family member 1; plus strand). Cytogenetic location: 16q24.2.
Variant type: single nucleotide variant.
Coding change: c.255C>T on transcript NM_153813.3 (MANE Select); coding-DNA position 255, C replaced by T.
Protein change: p.Pro85=; no amino-acid change (proline 85 retained).
Molecular consequence: synonymous variant.
Genome position (GRCh38, 1-based): chr16:88,489,140, C>T. VCF-style: chr16-88489140-C-T. GRCh37 (hg19) VCF-style: chr16-88555548-C-T.
Identifiers: ClinVar variation 4681484 (VCV004681484.5).